The following is an entry in ClinVar:

NM_001385012.1(NBEA):c.7978C>T (p.Pro2660Ser)

Gene: NBEA (neurobeachin; plus strand). Cytogenetic location: 13q13.3.
Variant type: single nucleotide variant.
Coding change: c.7978C>T on transcript NM_001385012.1 (MANE Select); coding-DNA position 7978, C replaced by T.
Protein change: p.Pro2660Ser; replaces proline 2660 with serine.
Molecular consequence: missense variant.
Genome position (GRCh38, 1-based): chr13:35,651,819, C>T. VCF-style: chr13-35651819-C-T. GRCh37 (hg19) VCF-style: chr13-36225956-C-T.
Other names: c.1294C>T, p.Pro432Ser (NM_001204197.3); c.7969C>T, p.Pro2657Ser (NM_001379245.1); c.7915C>T, p.Pro2639Ser (NM_015678.5); short protein forms P2639S, P2657S, P2660S, P432S.
Identifiers: ClinVar variation 2661967 (VCV002661967.1), dbSNP rs2550000514, ClinGen allele CA387839764.
Genomic context (GRCh38, chr13:35,651,819, plus strand): 5'-TTCTGAGAATTTTATGTTAGTTTTTCTCTCTTTTTTTAATCTTTAGGCCTCAGAGGAGCT[C>T]CAGGATACTCCTTGGATCAAGCCCACCATCTTCCCATTGAAATGGATCCATTAATAGGTA-3'
Protein context (NP_001371941.1, residues 2650-2670): WHNTVGLRGA[Pro2660Ser]GYSLDQAHHL

ClinVar aggregate classification (germline): Uncertain significance (1 of 4 stars; one submission).

Submission:

GeneDx
Classification: Uncertain significance. Last evaluated: 2023-03-31. Review status: criteria provided, single submitter. Criteria: GeneDx Variant Classification Process June 2021. Collection method: clinical testing. Allele origin: germline. Affected: yes.
Comment: Not observed at significant frequency in large population cohorts (gnomAD); In silico analysis supports that this missense variant has a deleterious effect on protein structure/function; Has not been previously published as pathogenic or benign to our knowledge